The following is an entry in ClinVar:

ClinVar aggregate classification (germline): Uncertain significance (1 of 4 stars; one submission).

Conditions:
Perlman syndrome (PRLMNS). Identifiers: Orphanet 2849, MedGen C0796113, MONDO:0009965, OMIM 267000.

Allele frequency attached by ClinVar (database versions not stated): gnomAD exomes 0.00001.
gnomAD v4.1: 6 of 1,613,974 alleles (0.00037%); highest among the groups gnomAD compares: East Asian, 0.013%; no homozygotes.

Submission:

Labcorp Genetics (formerly Invitae), Labcorp
Classification: Uncertain significance for Perlman syndrome. Last evaluated: 2022-07-14. Review status: criteria provided, single submitter. Criteria: Invitae Variant Classification Sherloc (09022015). Collection method: clinical testing. Allele origin: germline.
Comment: In summary, the available evidence is currently insufficient to determine the role of this variant in disease. Therefore, it has been classified as a Variant of Uncertain Significance. Algorithms developed to predict the effect of missense changes on protein structure and function output the following: SIFT: "Tolerated"; PolyPhen-2: "Benign"; Align-GVGD: "Class C0". The valine amino acid residue is found in multiple mammalian species, which suggests that this missense change does not adversely affect protein function. ClinVar contains an entry for this variant (Variation ID: 837713). This variant has not been reported in the literature in individuals affected with DIS3L2-related conditions. This variant is not present in population databases (gnomAD no frequency). This sequence change replaces isoleucine, which is neutral and non-polar, with valine, which is neutral and non-polar, at codon 217 of the DIS3L2 protein (p.Ile217Val).

NM_152383.5(DIS3L2):c.649A>G (p.Ile217Val)

Gene: DIS3L2 (DIS3 like 3'-5' exoribonuclease 2; plus strand). Cytogenetic location: 2q37.1.
Variant type: single nucleotide variant.
Coding change: c.649A>G on transcript NM_152383.5 (MANE Select); coding-DNA position 649, A replaced by G.
Protein change: p.Ile217Val; replaces isoleucine 217 with valine.
Molecular consequence: missense variant. On other transcripts: non-coding transcript variant (2).
Genome position (GRCh38, 1-based): chr2:232,130,666, A>G. VCF-style: chr2-232130666-A-G. GRCh37 (hg19) VCF-style: chr2-232995376-A-G.
Other names: c.649A>G, p.Ile217Val (NM_001257281.2, NM_001257282.2); short protein forms I217V.
Identifiers: ClinVar variation 837713 (VCV000837713.9), dbSNP rs1574898139, ClinGen allele CA351153185.
Genomic context (GRCh38, chr2:232,130,666, plus strand): 5'-CTTTTTAATGTAGGAAGAGAGGATGGTGATGCACCGGTTACAAAAGATGAGACCACCTGC[A>G]TTTCACAAGACACAAGAGCTTTATCGGAGAAATCCCTGCAAAGATCAGCAAAGGTCATTG-3'
Protein context (NP_689596.4, residues 207-227): APVTKDETTC[Ile217Val]SQDTRALSEK